The following is an entry in ClinVar:

NM_024675.4(PALB2):c.1112A>G (p.Glu371Gly)

Gene: PALB2 (partner and localizer of BRCA2; minus strand). Cytogenetic location: 16p12.2.
Variant type: single nucleotide variant.
Coding change: c.1112A>G on transcript NM_024675.4 (MANE Select); coding-DNA position 1112, A replaced by G.
Protein change: p.Glu371Gly; replaces glutamic acid 371 with glycine.
Molecular consequence: missense variant. On other transcripts: intron variant (3).
Genome position (GRCh38, 1-based): chr16:23,635,434, T>C on the plus strand (A>G on the coding strand, the complement: PALB2 is on the minus strand). VCF-style: chr16-23635434-T-C. GRCh37 (hg19) VCF-style: chr16-23646755-T-C.
Other names: c.1052A>G, p.Glu351Gly (NM_001407296.1); c.1112A>G, p.Glu371Gly (NM_001407297.1, NM_001407298.1, NM_001407299.1 and 3 more transcripts); c.227A>G, p.Glu76Gly (NM_001407304.1, NM_001407305.1, NM_001407306.1 and 5 more transcripts); c.48+5676A>G (NM_001407314.1); c.-104-4965A>G (NM_001407313.1, NM_001407312.1); short protein forms E351G, E371G, E76G.
Identifiers: ClinVar variation 3227982 (VCV003227982.1), dbSNP rs1555461445, ClinGen allele CA395133775.

ClinVar aggregate classification (germline): Uncertain significance (1 of 4 stars; one submission).

Conditions:
Hereditary cancer-predisposing syndrome. Also called: Neoplastic Syndromes, Hereditary; Tumor predisposition; Hereditary neoplastic syndrome; Hereditary Cancer Syndrome. Identifiers: Orphanet 140162, MedGen C0027672, MeSH D009386, MONDO:0015356.

Submission:

Ambry Genetics
Classification: Uncertain significance for Hereditary cancer-predisposing syndrome. Last evaluated: 2023-11-22. Review status: criteria provided, single submitter. Criteria: Ambry Variant Classification Scheme 2023. Collection method: clinical testing. Allele origin: germline.
Comment: The p.E371G variant (also known as c.1112A>G), located in coding exon 4 of the PALB2 gene, results from an A to G substitution at nucleotide position 1112. The glutamic acid at codon 371 is replaced by glycine, an amino acid with similar properties. This amino acid position is conserved. In addition, this alteration is predicted to be tolerated by in silico analysis. Since supporting evidence is limited at this time, the clinical significance of this alteration remains unclear.